The following is an entry in ClinVar:

NM_013275.6(ANKRD11):c.3069A>C (p.Thr1023=)

Gene: ANKRD11 (ankyrin repeat domain 11; minus strand). Cytogenetic location: 16q24.3.
Variant type: single nucleotide variant.
Coding change: c.3069A>C on transcript NM_013275.6 (MANE Select); coding-DNA position 3069, A replaced by C.
Protein change: p.Thr1023=; no amino-acid change (threonine 1023 retained).
Molecular consequence: synonymous variant.
Genome position (GRCh38, 1-based): chr16:89,283,473, T>G on the plus strand (A>C on the coding strand, the complement: ANKRD11 is on the minus strand). VCF-style: chr16-89283473-T-G. GRCh37 (hg19) VCF-style: chr16-89349881-T-G.
Other names: c.3069A>C, p.Thr1023= (NM_001256182.2, NM_001256183.2).
Identifiers: ClinVar variation 3046427 (VCV003046427.3), dbSNP rs749876399, ClinGen allele CA8242431.

ClinVar aggregate classification (germline): Likely benign. Review status: criteria provided, single submitter (1 of 4 stars). 2 submissions from 2 submitters: Likely benign (1). 1 of the submissions does not count toward it. Last evaluated 2024-11-22.

Conditions:
ANKRD11-related disorder. Also called: ANKRD11-related condition.

Allele frequency attached by ClinVar (database versions not stated): gnomAD exomes 0.00003; ExAC 0.00005.
gnomAD v4.1: 41 of 1,614,222 alleles (0.0025%); highest among the groups gnomAD compares: South Asian, 0.044%; 1 homozygote.

Submissions (2):

Blueprint Genetics
Classification: Likely benign. Last evaluated: 2024-11-22. Review status: criteria provided, single submitter. Criteria: ACMG Guidelines, 2015. Collection method: clinical testing. Allele origin: germline.

PreventionGenetics, part of Exact Sciences
Classification: Likely benign for ANKRD11-related condition. Last evaluated: 2022-08-17. Review status: no assertion criteria provided. Collection method: clinical testing. Allele origin: germline. Not counted in ClinVar's aggregate classification.
Comment: This variant is classified as likely benign based on ACMG/AMP sequence variant interpretation guidelines (Richards et al. 2015 PMID: 25741868, with internal and published modifications).